The following is an entry in ClinVar:

ClinVar aggregate classification (germline): Likely pathogenic (1 of 4 stars; one submission).

Conditions:
Primary ciliary dyskinesia. Also called: Ciliary dyskinesia. Identifiers: Orphanet 244, MedGen C0008780, MONDO:0016575, HP:0012265.

gnomAD v4.1: 22 of 1,605,416 alleles (0.0014%); highest among the groups gnomAD compares: Non-Finnish European, 0.0019%; no homozygotes.

Submissions (2):

Department of Human Genetics, Hannover Medical School
Classification: Likely pathogenic for Primary Ciliary Dyskinesia. Last evaluated: 2026-04-01. Review status: criteria provided, single submitter. Criteria: ACMG Guidelines, 2015. Collection method: research. Allele origin: germline. Affected: no.
Comment: Classification performed by HerediClassify using the following criteria:['PM2_supporting: Variant occures does not occur as homozygous in gnomAD.', 'PVS1_splicing_very_strong: Transcript ENST00000373295 undergoes NMD.']

Dr. Peter K. Rogan Lab, Western University
No classification provided (evidence only). Condition: Gastric cancer. Review status: no classification provided. Collection method: in vitro. Allele origin: not applicable. Functional consequence: retained intron. Not counted in ClinVar's aggregate classification.

NM_001012502.3(CFAP157):c.986+1G>A

Genes: CFAP157 (cilia and flagella associated protein 157; plus strand), PTRH1 (peptidyl-tRNA hydrolase 1 homolog; minus strand). Cytogenetic location: 9q34.11.
Variant type: single nucleotide variant.
Coding change: c.986+1G>A on transcript NM_001012502.3 (MANE Select); the canonical splice donor site of the intron after coding-DNA position 986, G replaced by A.
Molecular consequence: splice donor variant.
Genome position (GRCh38, 1-based): chr9:127,711,951, G>A. VCF-style: chr9-127711951-G-A. GRCh37 (hg19) VCF-style: chr9-130474230-G-A.
Other names: NC_000009.11:g.130474230G>A.
Identifiers: ClinVar variation 4352072 (VCV004352072.2).